The following is an entry in ClinVar:

ClinVar aggregate classification (germline): Pathogenic (0 of 4 stars; one submission).

Submission:

GenMed Metabolism Lab
Classification: Pathogenic. Review status: no assertion criteria provided. Collection method: not provided. Allele origin: unknown.
Comment: p.Thr247Lys, Neonatal
ClinVar note: Converted during submission from pathogenic to Pathogenic.

NM_000531.6(OTC):c.740C>A (p.Thr247Lys)

Gene: OTC (ornithine transcarbamylase; plus strand). Cytogenetic location: Xp11.4.
Variant type: single nucleotide variant.
Coding change: c.740C>A on transcript NM_000531.6 (MANE Select); coding-DNA position 740, C replaced by A.
Protein change: p.Thr247Lys; replaces threonine 247 with lysine.
Molecular consequence: missense variant.
Genome position (GRCh38, 1-based): chrX:38,408,898, C>A. VCF-style: chrX-38408898-C-A. GRCh37 (hg19) VCF-style: chrX-38268151-C-A.
Other names: short protein forms T247K.
Identifiers: ClinVar variation 97308 (VCV000097308.2), dbSNP rs72558437, ClinGen allele CA285808.